The following is an entry in ClinVar:

ClinVar aggregate classification (germline): Uncertain significance (1 of 4 stars; one submission).

Conditions:
Primary ciliary dyskinesia. Also called: Ciliary dyskinesia. Identifiers: Orphanet 244, MedGen C0008780, MONDO:0016575, HP:0012265.

gnomAD v4.1: 5 of 1,613,842 alleles (0.00031%); highest among the groups gnomAD compares: East Asian, 0.0045%; no homozygotes.

Submission:

Labcorp Genetics (formerly Invitae), Labcorp
Classification: Uncertain significance for Primary ciliary dyskinesia. Last evaluated: 2026-01-20. Review status: criteria provided, single submitter. Criteria: Invitae Variant Classification Sherloc (09022015). Collection method: clinical testing. Allele origin: germline.
Comment: This sequence change replaces isoleucine, which is neutral and non-polar, with valine, which is neutral and non-polar, at codon 3573 of the DNAH5 protein (p.Ile3573Val). This variant is present in population databases (no rsID available, gnomAD 0.006%). This variant has not been reported in the literature in individuals affected with DNAH5-related conditions. Invitae Evidence Modeling of protein sequence and biophysical properties (such as structural, functional, and spatial information, amino acid conservation, physicochemical variation, residue mobility, and thermodynamic stability) indicates that this missense variant is not expected to disrupt DNAH5 protein function with a negative predictive value of 95%. In summary, the available evidence is currently insufficient to determine the role of this variant in disease. Therefore, it has been classified as a Variant of Uncertain Significance.

NM_001369.3(DNAH5):c.10717A>G (p.Ile3573Val)

Gene: DNAH5 (dynein axonemal heavy chain 5; minus strand). Cytogenetic location: 5p15.2.
Variant type: single nucleotide variant.
Coding change: c.10717A>G on transcript NM_001369.3 (MANE Select); coding-DNA position 10717, A replaced by G.
Protein change: p.Ile3573Val; replaces isoleucine 3573 with valine.
Molecular consequence: missense variant.
Genome position (GRCh38, 1-based): chr5:13,753,388, T>C on the plus strand (A>G on the coding strand, the complement: DNAH5 is on the minus strand). VCF-style: chr5-13753388-T-C. GRCh37 (hg19) VCF-style: chr5-13753497-T-C.
Other names: short protein forms I3573V.
Identifiers: ClinVar variation 4798234 (VCV004798234.1).